The following is an entry in ClinVar:

NM_001122769.3(LCA5):c.1543_1544delinsA (p.Ser515fs)

Gene: LCA5 (lebercilin LCA5; minus strand). Cytogenetic location: 6q14.1.
Variant type: Indel.
Coding change: c.1543_1544delinsA on transcript NM_001122769.3 (MANE Select); coding-DNA positions 1543 to 1544, TC replaced by A.
Protein change: p.Ser515fs; shifts the reading frame from serine 515.
Molecular consequence: frameshift variant.
Genome position (GRCh38, 1-based): chr6:79,487,554-79,487,555, GA replaced by T on the plus strand (TC replaced by A on the coding strand, the reverse complement: LCA5 is on the minus strand). VCF-style: chr6-79487554-GA-T. GRCh37 (hg19) VCF-style: chr6-80197271-GA-T.
Other names: p.Ser515LysfsTer78; c.1543_1544delinsA, p.Ser515fs (NM_181714.4); short protein forms S515fs.
Identifiers: ClinVar variation 4849655 (VCV004849655.1).

ClinVar aggregate classification (germline): Likely pathogenic (1 of 4 stars; one submission).

Conditions:
Leber congenital amaurosis 5 (LCA5). Also called: Amaurosis congenita of Leber, type 5. Identifiers: Orphanet 65, MedGen C1858301, MONDO:0011473, OMIM 604537.

Submission:

Medical Molecular Genetics Department, National Research Center
Classification: Likely pathogenic for Leber congenital amaurosis 5. Last evaluated: 2026-03-01. Review status: criteria provided, single submitter. Criteria: ACMG Guidelines, 2015. Collection method: research. Allele origin: germline. Affected: yes. Observed: 1 variant allele.
Comment: LCA5 c.1543_1544delinsA (p.Ser515LysfsTer78): Frameshift (null variant). Absent from gnomAD. Loss-of-function consistent with autosomal recessive mechanism. Classified Likely pathogenic (PVS1,PM2)